The following is an entry in ClinVar:

ClinVar aggregate classification (germline): Uncertain significance (1 of 4 stars; one submission).

Conditions:
Hereditary cancer-predisposing syndrome. Also called: Tumor predisposition; Hereditary neoplastic syndrome; Neoplastic Syndromes, Hereditary; Hereditary Cancer Syndrome. Identifiers: Orphanet 140162, MedGen C0027672, MeSH D009386, MONDO:0015356.

Submission:

Ambry Genetics
Classification: Uncertain significance for Hereditary cancer-predisposing syndrome. Last evaluated: 2025-03-17. Review status: criteria provided, single submitter. Criteria: Ambry Variant Classification Scheme 2023. Collection method: clinical testing. Allele origin: germline.
Comment: The p.P686R variant (also known as c.2057C>G), located in coding exon 7 of the AXIN2 gene, results from a C to G substitution at nucleotide position 2057. The proline at codon 686 is replaced by arginine, an amino acid with dissimilar properties. This amino acid position is conserved. In addition, the in silico prediction for this alteration is inconclusive. Based on the available evidence, the clinical significance of this variant remains unclear.

NM_004655.4(AXIN2):c.2057C>G (p.Pro686Arg)

Gene: AXIN2 (axin 2; minus strand). Cytogenetic location: 17q24.1.
Variant type: single nucleotide variant.
Coding change: c.2057C>G on transcript NM_004655.4 (MANE Select); coding-DNA position 2057, C replaced by G.
Protein change: p.Pro686Arg; replaces proline 686 with arginine.
Molecular consequence: missense variant.
Genome position (GRCh38, 1-based): chr17:65,536,404, G>C on the plus strand (C>G on the coding strand, the complement: AXIN2 is on the minus strand). VCF-style: chr17-65536404-G-C. GRCh37 (hg19) VCF-style: chr17-63532522-G-C.
Other names: c.1862C>G, p.Pro621Arg (NM_001363813.1); short protein forms P621R, P686R.
Identifiers: ClinVar variation 3980577 (VCV003980577.1).
Genomic context (GRCh38, chr17:65,536,404, plus strand): 5'-TCAGCTAGCCTGCGACAGGCCTCCTCCAGCTGAGCCAGCGTGTTGGGTGGGGTCAGGGGA[G>C]GCATCGCAGGGTCCTGGGTGAACAGGTGGGCACGGGGGGTGGTGCGGGGGTGCCCGCTGT-3'
Protein context (NP_004646.3, residues 676-696): AHLFTQDPAM[Pro686Arg]PLTPPNTLAQ